The following is an entry in ClinVar:

ClinVar aggregate classification (germline): Likely benign (1 of 4 stars; one submission).

Submission:

CeGaT Center for Human Genetics Tuebingen
Classification: Likely benign. Last evaluated: 2024-09-01. Review status: criteria provided, single submitter. Criteria: CeGaT Center For Human Genetics Tuebingen Variant Classification Criteria Version 2. Collection method: clinical testing. Allele origin: germline. Affected: yes. Observed: 1 variant allele.
Comment: PLIN4: BP4, BP7

NM_001367868.2(PLIN4):c.2181T>C (p.Thr727=)

Gene: PLIN4 (perilipin 4; minus strand). Cytogenetic location: 19p13.3.
Variant type: single nucleotide variant.
Coding change: c.2181T>C on transcript NM_001367868.2 (MANE Select); coding-DNA position 2181, T replaced by C.
Protein change: p.Thr727=; no amino-acid change (threonine 727 retained).
Molecular consequence: synonymous variant.
Genome position (GRCh38, 1-based): chr19:4,511,779, A>G on the plus strand (T>C on the coding strand, the complement: PLIN4 is on the minus strand). VCF-style: chr19-4511779-A-G. GRCh37 (hg19) VCF-style: chr19-4511791-A-G.
Other names: c.2184T>C, p.Thr728= (NM_001393888.1, NM_001393889.1); c.2181T>C, p.Thr727= (NM_001393890.1, NM_001393891.1).
Identifiers: ClinVar variation 3388091 (VCV003388091.14).